The following is an entry in ClinVar:

ClinVar aggregate classification (germline): Likely benign (1 of 4 stars; one submission).

Allele frequency attached by ClinVar (database versions not stated): 1000 Genomes Project 0.00499; 1000 Genomes Project 30x 0.00531; TOPMed 0.01388; gnomAD 0.01923 and 0.02013.
gnomAD v4.1: 2,903 of 152,122 alleles (1.9%); highest among the groups gnomAD compares: Non-Finnish European, 2.9%; 61 homozygotes.

Submissions (5):

GeneDx
Classification: Likely benign. Last evaluated: 2018-06-19. Review status: criteria provided, single submitter. Criteria: GeneDx Variant Classification (06012015). Collection method: clinical testing. Allele origin: germline. Affected: yes.
Comment: This variant is considered likely benign or benign based on one or more of the following criteria: it is a conservative change, it occurs at a poorly conserved position in the protein, it is predicted to be benign by multiple in silico algorithms, and/or has population frequency not consistent with disease.

Dr. Peter K. Rogan Lab, Western University
No classification provided (evidence only). Condition: Familial cancer of breast. Review status: no classification provided. Collection method: in vitro. Allele origin: not applicable. Functional consequence: retained intron. Not counted in ClinVar's aggregate classification.

Dr. Peter K. Rogan Lab, Western University
No classification provided (evidence only). Condition: Sarcoma. Review status: no classification provided. Collection method: in vitro. Allele origin: not applicable. Functional consequence: retained intron. Not counted in ClinVar's aggregate classification.

Dr. Peter K. Rogan Lab, Western University
No classification provided (evidence only). Condition: Ovarian serous cystadenocarcinoma. Review status: no classification provided. Collection method: in vitro. Allele origin: not applicable. Functional consequence: retained intron. Not counted in ClinVar's aggregate classification.

Dr. Peter K. Rogan Lab, Western University
No classification provided (evidence only). Condition: Ovarian serous cystadenocarcinoma. Review status: no classification provided. Collection method: in vitro. Allele origin: not applicable. Functional consequence: retained intron. Not counted in ClinVar's aggregate classification.

NM_030962.4(SBF2):c.141+258C>T

Gene: SBF2 (SET binding factor 2; minus strand). Cytogenetic location: 11p15.4.
Variant type: single nucleotide variant.
Coding change: c.141+258C>T on transcript NM_030962.4 (MANE Select); 258 bases into the intron after coding-DNA position 141, C replaced by T.
Molecular consequence: intron variant.
Genome position (GRCh38, 1-based): chr11:10,193,644, G>A on the plus strand (C>T on the coding strand, the complement: SBF2 is on the minus strand). VCF-style: chr11-10193644-G-A. GRCh37 (hg19) VCF-style: chr11-10215191-G-A.
Other names: NC_000011.9:g.10215191G>A; c.141+258C>T (NM_001386342.1, NM_001386339.1).
Identifiers: ClinVar variation 669864 (VCV000669864.2), dbSNP rs185107978, ClinGen allele CA217871165.